The following is an entry in ClinVar:

ClinVar aggregate classification (germline): Uncertain significance (1 of 4 stars; one submission).

Conditions:
Epileptic encephalopathy. Identifiers: MedGen C0543888, HP:0200134.

Allele frequency attached by ClinVar (database versions not stated): gnomAD exomes below 0.00001 and 0.00001; TOPMed 0.00002; gnomAD 0.00003 and 0.00004; ESP Exome Variant Server 0.00008.
gnomAD v4.1: 15 of 1,613,290 alleles (0.00093%); highest among the groups gnomAD compares: Non-Finnish European, 0.0013%; no homozygotes.

Submission:

Labcorp Genetics (formerly Invitae), Labcorp
Classification: Uncertain significance for Epileptic encephalopathy. Last evaluated: 2020-03-23. Review status: criteria provided, single submitter. Criteria: Invitae Variant Classification Sherloc (09022015). Collection method: clinical testing. Allele origin: germline.
Comment: In summary, the available evidence is currently insufficient to determine the role of this variant in disease. Therefore, it has been classified as a Variant of Uncertain Significance. Nucleotide substitutions within the consensus splice site are a relatively common cause of aberrant splicing (PMID: 17576681, 9536098). Algorithms developed to predict the effect of sequence changes on RNA splicing suggest that this variant may disrupt the consensus splice site, but this prediction has not been confirmed by published transcriptional studies. This variant has not been reported in the literature in individuals with RYR3-related disease. This variant is not present in population databases (ExAC no frequency). This sequence change falls in intron 72 of the RYR3 gene. It does not directly change the encoded amino acid sequence of the RYR3 protein, but it affects a nucleotide within the consensus splice site of the intron.

Literature cited by the submitters: PubMed 17576681; PubMed 9536098.

NM_001036.6(RYR3):c.10258-3C>A

Gene: RYR3 (ryanodine receptor 3; plus strand). Cytogenetic location: 15q14.
Variant type: single nucleotide variant.
Coding change: c.10258-3C>A on transcript NM_001036.6 (MANE Select); 3 bases into the intron before coding-DNA position 10258, C replaced by A.
Molecular consequence: intron variant.
Genome position (GRCh38, 1-based): chr15:33,812,860, C>A. VCF-style: chr15-33812860-C-A. GRCh37 (hg19) VCF-style: chr15-34105061-C-A.
Other names: c.10243-3C>A (NM_001243996.4).
Identifiers: ClinVar variation 664558 (VCV000664558.8), dbSNP rs377008103, ClinGen allele CA268566300.